The following is an entry in ClinVar:

NM_006904.7(PRKDC):c.3716C>G (p.Pro1239Arg)

Gene: PRKDC (protein kinase, DNA-activated, catalytic subunit; minus strand). Cytogenetic location: 8q11.21.
Variant type: single nucleotide variant.
Coding change: c.3716C>G on transcript NM_006904.7 (MANE Select); coding-DNA position 3716, C replaced by G.
Protein change: p.Pro1239Arg; replaces proline 1239 with arginine.
Molecular consequence: missense variant.
Genome position (GRCh38, 1-based): chr8:47,893,270, G>C on the plus strand (C>G on the coding strand, the complement: PRKDC is on the minus strand). VCF-style: chr8-47893270-G-C. GRCh37 (hg19) VCF-style: chr8-48805830-G-C.
Other names: c.3716C>G, p.Pro1239Arg (NM_001081640.2); short protein forms P1239R.
Identifiers: ClinVar variation 1734238 (VCV001734238.2), dbSNP rs2551874331, ClinGen allele CA371150566.
Genomic context (GRCh38, chr8:47,893,270, plus strand): 5'-AGGTCCAGCCAGCATAGCGTGGCCTGCAGGCTGAATGGCCCCCGAAGGTACAAGAGGGTG[G>C]GCTGGGCCAGGATGCCCGAGGGCTGGCCACAGCCACCCCCCTCAAAGGTGTTGATGAGAA-3'
Protein context (NP_008835.5, residues 1229-1249): CGQPSGILAQ[Pro1239Arg]TLLYLRGPFS

ClinVar aggregate classification (germline): Uncertain significance (1 of 4 stars; one submission).

Submission:

Ambry Genetics
Classification: Uncertain significance. Last evaluated: 2021-08-11. Review status: criteria provided, single submitter. Criteria: Ambry Variant Classification Scheme 2023. Collection method: clinical testing. Allele origin: germline.
Comment: The p.P1239R variant (also known as c.3716C>G), located in coding exon 31 of the PRKDC gene, results from a C to G substitution at nucleotide position 3716. The proline at codon 1239 is replaced by arginine, an amino acid with dissimilar properties. This amino acid position is conserved. In addition, the in silico prediction for this alteration is inconclusive. Since supporting evidence is limited at this time, the clinical significance of this alteration remains unclear.